The following is an entry in ClinVar:

NM_053025.4(MYLK):c.468G>A (p.Trp156Ter)

Gene: MYLK (myosin light chain kinase; minus strand). Cytogenetic location: 3q21.1.
Variant type: single nucleotide variant.
Coding change: c.468G>A on transcript NM_053025.4 (MANE Select); coding-DNA position 468, G replaced by A.
Protein change: p.Trp156Ter; replaces tryptophan 156 with a stop codon.
Molecular consequence: nonsense. On other transcripts: 5 prime UTR variant (1).
Genome position (GRCh38, 1-based): chr3:123,739,017, C>T on the plus strand (G>A on the coding strand, the complement: MYLK is on the minus strand). VCF-style: chr3-123739017-C-T. GRCh37 (hg19) VCF-style: chr3-123457864-C-T.
Other names: c.-61G>A (NM_001321309.2); c.468G>A, p.Trp156Ter (NM_053026.4, NM_053027.4, NM_053028.4); short protein forms W156*.
Identifiers: ClinVar variation 570853 (VCV000570853.9), dbSNP rs1560156324, ClinGen allele CA354241984.

ClinVar aggregate classification (germline): Uncertain significance (1 of 4 stars; one submission).

Conditions:
Aortic aneurysm, familial thoracic 7 (AAT7). Also called: AORTIC DISSECTION, FAMILIAL, WITH OR WITHOUT AORTIC ANEURYSM. Identifiers: MedGen C3151077, MONDO:0013418, OMIM 613780.

gnomAD v4.1: 4 of 1,613,906 alleles (0.00025%); highest among the groups gnomAD compares: South Asian, 0.0011%; no homozygotes.

Submission:

Labcorp Genetics (formerly Invitae), Labcorp
Classification: Uncertain significance for Aortic aneurysm, familial thoracic 7. Last evaluated: 2018-07-06. Review status: criteria provided, single submitter. Criteria: Invitae Variant Classification Sherloc (09022015). Collection method: clinical testing. Allele origin: germline.
Comment: In summary, the available evidence is currently insufficient to determine the role of this variant in disease. Therefore, it has been classified as a Variant of Uncertain Significance. The current clinical and genetic evidence is not sufficient to establish whether loss-of-function variants in MYLK cause disease. This variant has not been reported in the literature in individuals with MYLK-related disease. This variant is not present in population databases (ExAC no frequency). This sequence change creates a premature translational stop signal (p.Trp156*) in the MYLK gene. It is expected to result in an absent or disrupted protein product.